The following is an entry in ClinVar:

ClinVar aggregate classification (germline): Uncertain significance (1 of 4 stars; one submission).

Submission:

Labcorp Genetics (formerly Invitae), Labcorp
Classification: Uncertain significance. Last evaluated: 2022-09-04. Review status: criteria provided, single submitter. Criteria: Invitae Variant Classification Sherloc (09022015). Collection method: clinical testing. Allele origin: germline.
Comment: In summary, the available evidence is currently insufficient to determine the role of this variant in disease. Therefore, it has been classified as a Variant of Uncertain Significance. This sequence change replaces phenylalanine, which is neutral and non-polar, with leucine, which is neutral and non-polar, at codon 406 of the CFH protein (p.Phe406Leu). This variant is not present in population databases (gnomAD no frequency). This variant has not been reported in the literature in individuals affected with CFH-related conditions. Algorithms developed to predict the effect of missense changes on protein structure and function (SIFT, PolyPhen-2, Align-GVGD) all suggest that this variant is likely to be tolerated.

NM_000186.4(CFH):c.1216T>C (p.Phe406Leu)

Gene: CFH (complement factor H; plus strand). Cytogenetic location: 1q31.3.
Variant type: single nucleotide variant.
Coding change: c.1216T>C on transcript NM_000186.4 (MANE Select); coding-DNA position 1216, T replaced by C.
Protein change: p.Phe406Leu; replaces phenylalanine 406 with leucine.
Molecular consequence: missense variant.
Genome position (GRCh38, 1-based): chr1:196,690,119, T>C. VCF-style: chr1-196690119-T-C. GRCh37 (hg19) VCF-style: chr1-196659249-T-C.
Other names: c.1216T>C, p.Phe406Leu (NM_001014975.3); short protein forms F406L.
Identifiers: ClinVar variation 1938731 (VCV001938731.5), dbSNP rs2529388675, ClinGen allele CA343980626.
Genomic context (GRCh38, chr1:196,690,119, plus strand): 5'-TTAGGAAAATGTTATTTTCCTTATTTGGAAAATGGATATAATCAAAATCATGGAAGAAAG[T>C]TTGTACAGGGTAAATCTATAGACGTTGCCTGCCATCCTGGCTACGCTCTTCCAAAAGCGC-3'
Protein context (NP_000177.2, residues 396-416): NGYNQNHGRK[Phe406Leu]VQGKSIDVAC